The following is an entry in ClinVar:

ClinVar aggregate classification (germline): Uncertain significance. Review status: criteria provided, multiple submitters, no conflicts (2 of 4 stars). 2 submissions from 2 submitters: Uncertain significance (2). Last evaluated 2025-02-14.

Conditions:
Inborn genetic diseases. Identifiers: MedGen C0950123, MeSH D030342.

Allele frequency attached by ClinVar (database versions not stated): gnomAD exomes below 0.00001; TOPMed 0.00002.
gnomAD v4.1: 1 of 1,613,910 alleles (0.000062%); highest among the groups gnomAD compares: Middle Eastern, 0.017%; no homozygotes.

Submissions (2):

Ambry Genetics
Classification: Uncertain significance for Inborn genetic diseases. Last evaluated: 2025-02-14. Review status: criteria provided, single submitter. Criteria: Ambry Variant Classification Scheme 2023. Collection method: clinical testing. Allele origin: germline.

Labcorp Genetics (formerly Invitae), Labcorp
Classification: Uncertain significance. Last evaluated: 2023-12-17. Review status: criteria provided, single submitter. Criteria: Invitae Variant Classification Sherloc (09022015). Collection method: clinical testing. Allele origin: germline.
Comment: This sequence change replaces aspartic acid, which is acidic and polar, with glycine, which is neutral and non-polar, at codon 132 of the IMPDH1 protein (p.Asp132Gly). This variant is present in population databases (no rsID available, gnomAD 0.0009%). This variant has not been reported in the literature in individuals affected with IMPDH1-related conditions. An algorithm developed to predict the effect of missense changes on protein structure and function (PolyPhen-2) suggests that this variant is likely to be tolerated. In summary, the available evidence is currently insufficient to determine the role of this variant in disease. Therefore, it has been classified as a Variant of Uncertain Significance.

NM_000883.4(IMPDH1):c.395A>G (p.Asp132Gly)

Gene: IMPDH1 (inosine monophosphate dehydrogenase 1; minus strand). Cytogenetic location: 7q32.1.
Variant type: single nucleotide variant.
Coding change: c.395A>G on transcript NM_000883.4 (MANE Select); coding-DNA position 395, A replaced by G.
Protein change: p.Asp132Gly; replaces aspartic acid 132 with glycine.
Molecular consequence: missense variant.
Genome position (GRCh38, 1-based): chr7:128,403,713, T>C on the plus strand (A>G on the coding strand, the complement: IMPDH1 is on the minus strand). VCF-style: chr7-128403713-T-C. GRCh37 (hg19) VCF-style: chr7-128043767-T-C.
Other names: c.395A>G (NM_000883.3); c.365A>G, p.Asp122Gly (NM_001102605.2); c.140A>G, p.Asp47Gly (NM_001142573.2, NM_001142574.2, NM_001142575.2); c.296A>G, p.Asp99Gly (NM_001142576.2); c.188A>G, p.Asp63Gly (NM_001304521.2); c.287A>G, p.Asp96Gly (NM_183243.3); short protein forms D122G, D63G, D132G, D47G, D99G, D96G.
Identifiers: ClinVar variation 3005843 (VCV003005843.4), dbSNP rs1389401276, ClinGen allele CA369175947.